The following is an entry in ClinVar:

NM_144991.3(TSPEAR):c.199dup (p.Arg67fs)

Gene: TSPEAR (thrombospondin type laminin G domain and EAR repeats; minus strand). Cytogenetic location: 21q22.3.
Variant type: Duplication.
Coding change: c.199dup on transcript NM_144991.3 (MANE Select); coding-DNA position 199, one base duplicated (C; older notation c.199dupC).
Protein change: p.Arg67fs; shifts the reading frame from arginine 67.
Molecular consequence: frameshift variant. On other transcripts: 5 prime UTR variant (1).
Genome position (GRCh38, 1-based): chr21:44,567,889, G duplicated on the plus strand (C on the coding strand, the reverse complement: TSPEAR is on the minus strand); the first of 6 consecutive G bases (chr21:44,567,889-44,567,894); duplicating any one gives the same sequence. VCF-style (leftmost placement, unchanged base first): chr21-44567888-C-CG. GRCh37 (hg19) VCF-style: chr21-45987772-C-CG.
Other names: c.-6dup (NM_001272037.2); short protein forms R67fs.
Identifiers: ClinVar variation 1960364 (VCV001960364.7), dbSNP rs782155959, ClinGen allele CA10058063.

ClinVar aggregate classification (germline): Pathogenic/Likely pathogenic. Review status: criteria provided, multiple submitters, no conflicts (2 of 4 stars). 2 submissions from 2 submitters: Pathogenic (1); Likely pathogenic (1). Last evaluated 2025-06-12.

Submissions (2):

Labcorp Genetics (formerly Invitae), Labcorp
Classification: Pathogenic. Last evaluated: 2025-06-12. Review status: criteria provided, single submitter. Criteria: Invitae Variant Classification Sherloc (09022015). Collection method: clinical testing. Allele origin: germline.
Comment: This sequence change creates a premature translational stop signal (p.Arg67Profs*15) in the TSPEAR gene. It is expected to result in an absent or disrupted protein product. Loss-of-function variants in TSPEAR are known to be pathogenic (PMID: 34042254). The frequency data for this variant in the population databases is considered unreliable, as metrics indicate poor data quality at this position in the gnomAD database. This variant has not been reported in the literature in individuals affected with TSPEAR-related conditions. ClinVar contains an entry for this variant (Variation ID: 1960364). For these reasons, this variant has been classified as Pathogenic.

Dasa
Classification: Likely pathogenic. Last evaluated: 2025-04-04. Review status: criteria provided, single submitter. Criteria: DASA Assertion Criteria. Collection method: clinical testing. Allele origin: germline.
Comment: NM_144991.3(TSPEAR):c.199dup (p.Arg67Profs*15) is a frameshift variant in TSPEAR predicted to alter the reading frame and introduce a premature termination codon and is predicted to result in an absent or altered protein product. Loss of function is an established disease mechanism for TSPEAR-associated disorders. Also, this variant is rare in population databases. Based on the currently available evidence, this variant is classified as likely pathogenic.

Literature cited by the submitters: PubMed 34042254 (cited by Labcorp Genetics (formerly Invitae), Labcorp).